The following is an entry in ClinVar:

ClinVar aggregate classification (germline): Uncertain significance (1 of 4 stars; one submission).

Submission:

GeneDx
Classification: Uncertain significance. Last evaluated: 2019-12-12. Review status: criteria provided, single submitter. Criteria: GeneDx Variant Classification Process June 2021. Collection method: clinical testing. Allele origin: germline. Affected: yes.
Comment: Not observed in large population cohorts (Lek et al., 2016); The majority of missense variants in this gene are considered pathogenic (Stenson et al., 2014); In silico analysis, which includes protein predictors and evolutionary conservation, supports a deleterious effect; Has not been previously published as pathogenic or benign to our knowledge; In-silico analysis, which includes splice predictors and evolutionary conservation, is inconclusive as to whether the variant alters gene splicing. In the absence of RNA/functional studies, the actual effect of this sequence change is unknown.; This substitution is predicted to be within the intracellular loop between the S4 and S5 transmembrane segments of the first homologous domain

NM_001040142.2(SCN2A):c.697G>C (p.Gly233Arg)

Gene: SCN2A (sodium voltage-gated channel alpha subunit 2; plus strand). Cytogenetic location: 2q24.3.
Variant type: single nucleotide variant.
Coding change: c.697G>C on transcript NM_001040142.2 (MANE Select); coding-DNA position 697, G replaced by C.
Protein change: p.Gly233Arg; replaces glycine 233 with arginine.
Molecular consequence: missense variant. On other transcripts: intron variant (2).
Genome position (GRCh38, 1-based): chr2:165,309,443, G>C. VCF-style: chr2-165309443-G-C. GRCh37 (hg19) VCF-style: chr2-166165953-G-C.
Other names: c.697G>C, p.Gly233Arg (NM_001371247.1, NM_021007.3); c.697+187G>C (NM_001040143.2, NM_001371246.1); short protein forms G233R.
Identifiers: ClinVar variation 1214093 (VCV001214093.3), dbSNP rs2105245106, ClinGen allele CA349017637.